The following is an entry in ClinVar:

NM_015450.3(POT1):c.1025A>G (p.Tyr342Cys)

Gene: POT1 (protection of telomeres 1; minus strand). Cytogenetic location: 7q31.33.
Variant type: single nucleotide variant.
Coding change: c.1025A>G on transcript NM_015450.3 (MANE Select); coding-DNA position 1025, A replaced by G.
Protein change: p.Tyr342Cys; replaces tyrosine 342 with cysteine.
Molecular consequence: missense variant. On other transcripts: non-coding transcript variant (3).
Genome position (GRCh38, 1-based): chr7:124,842,945, T>C on the plus strand (A>G on the coding strand, the complement: POT1 is on the minus strand). VCF-style: chr7-124842945-T-C. GRCh37 (hg19) VCF-style: chr7-124482999-T-C.
Other names: c.632A>G, p.Tyr211Cys (NM_001042594.2); short protein forms Y342C, Y211C.
Identifiers: ClinVar variation 1769249 (VCV001769249.2), dbSNP rs1178219050, ClinGen allele CA369068601.
Genomic context (GRCh38, chr7:124,842,945, plus strand): 5'-ATGCGGTATTGTTGAGGAGCTTTTTGTTTCAAAATGGCACATAGTGGTGTCCTCTCCAAA[T>C]ACTGATGATCTGTAAGTACTGTAAAGAATTTTTATATTCAATCAGAATAACAAGAATCAT-3'
Protein context (NP_056265.2, residues 332-352): LSATILTDHQ[Tyr342Cys]LERTPLCAIL

ClinVar aggregate classification (germline): Uncertain significance (1 of 4 stars; one submission).

Conditions:
Hereditary cancer-predisposing syndrome. Also called: Hereditary Cancer Syndrome; Hereditary neoplastic syndrome; Neoplastic Syndromes, Hereditary; Tumor predisposition. Identifiers: Orphanet 140162, MedGen C0027672, MeSH D009386, MONDO:0015356.

Submission:

Ambry Genetics
Classification: Uncertain significance for Hereditary cancer-predisposing syndrome. Last evaluated: 2022-02-16. Review status: criteria provided, single submitter. Criteria: Ambry Variant Classification Scheme 2023. Collection method: clinical testing. Allele origin: germline.
Comment: The p.Y342C variant (also known as c.1025A>G), located in coding exon 9 of the POT1 gene, results from an A to G substitution at nucleotide position 1025. The tyrosine at codon 342 is replaced by cysteine, an amino acid with highly dissimilar properties. This amino acid position is conserved. In addition, this alteration is predicted to be tolerated by in silico analysis. Since supporting evidence is limited at this time, the clinical significance of this alteration remains unclear.